The following is an entry in ClinVar:

NM_017780.4(CHD7):c.7960A>C (p.Asn2654His)

Gene: CHD7 (chromodomain helicase DNA binding protein 7; plus strand). Cytogenetic location: 8q12.2.
Variant type: single nucleotide variant.
Coding change: c.7960A>C on transcript NM_017780.4 (MANE Select); coding-DNA position 7960, A replaced by C.
Protein change: p.Asn2654His; replaces asparagine 2654 with histidine.
Molecular consequence: missense variant.
Genome position (GRCh38, 1-based): chr8:60,862,325, A>C. VCF-style: chr8-60862325-A-C. GRCh37 (hg19) VCF-style: chr8-61774884-A-C.
Other names: c.1813A>C, p.Asn605His (NM_001316690.1); short protein forms N605H, N2654H.
Identifiers: ClinVar variation 3719737 (VCV003719737.2).
Genomic context (GRCh38, chr8:60,862,325, plus strand): 5'-AATAAATTGGATATAAACACTTTGACAGGAGAAGAAAGGGTGCCTGTTGTCAATAAACGA[A>C]ATGGGAAGAAGGTAAACGCTGGGAAAGGGAATTGATCACTATGCGATTTCTTAGCCCAGA-3'
Protein context (NP_060250.2, residues 2644-2664): EERVPVVNKR[Asn2654His]GKKMGGAMAP

ClinVar aggregate classification (germline): Uncertain significance (1 of 4 stars; one submission).

Conditions:
CHARGE syndrome (CHARGE). Also called: Hittner Hirsch Kreh syndrome; CHARGE ASSOCIATION--COLOBOMA, HEART ANOMALY, CHOANAL ATRESIA, RETARDATION, GENITAL AND EAR ANOMALIES; Coloboma, heart anomaly, choanal atresia, retardation, genital and ear anomalies; CHARGE association; Hall-Hittner syndrome. Identifiers: Orphanet 138, MedGen C0265354, MONDO:0008965.

gnomAD v4.1: 1 of 1,603,198 alleles (0.000062%); highest among the groups gnomAD compares: Non-Finnish European, 0.000085%; no homozygotes.

Submission:

Labcorp Genetics (formerly Invitae), Labcorp
Classification: Uncertain significance for CHARGE syndrome. Last evaluated: 2024-10-30. Review status: criteria provided, single submitter. Criteria: Invitae Variant Classification Sherloc (09022015). Collection method: clinical testing. Allele origin: germline.
Comment: This sequence change replaces asparagine, which is neutral and polar, with histidine, which is basic and polar, at codon 2654 of the CHD7 protein (p.Asn2654His). This variant is not present in population databases (gnomAD no frequency). This variant has not been reported in the literature in individuals affected with CHD7-related conditions. Invitae Evidence Modeling of protein sequence and biophysical properties (such as structural, functional, and spatial information, amino acid conservation, physicochemical variation, residue mobility, and thermodynamic stability) has been performed for this missense variant. However, the output from this modeling did not meet the statistical confidence thresholds required to predict the impact of this variant on CHD7 protein function. In summary, the available evidence is currently insufficient to determine the role of this variant in disease. Therefore, it has been classified as a Variant of Uncertain Significance.